The following is an entry in ClinVar:

NM_001374736.1(DST):c.14904T>C (p.Asn4968=)

Gene: DST (dystonin; minus strand). Cytogenetic location: 6p12.1.
Variant type: single nucleotide variant.
Coding change: c.14904T>C on transcript NM_001374736.1 (MANE Select); coding-DNA position 14904, T replaced by C.
Protein change: p.Asn4968=; no amino-acid change (asparagine 4968 retained).
Molecular consequence: synonymous variant.
Genome position (GRCh38, 1-based): chr6:56,555,577, A>G on the plus strand (T>C on the coding strand, the complement: DST is on the minus strand). VCF-style: chr6-56555577-A-G. GRCh37 (hg19) VCF-style: chr6-56420375-A-G.
Other names: c.8547T>C (NM_001144769.2); c.8547T>C, p.Asn2849= (NM_001144769.5); c.8133T>C, p.Asn2711= (NM_001144770.2); c.14904T>C, p.Asn4968= (NM_001374722.1); c.14271T>C, p.Asn4757= (NM_001374729.1); c.8013T>C, p.Asn2671= (NM_001374730.1, NM_001386100.1, NM_183380.4); c.14931T>C, p.Asn4977= (NM_001374734.1); c.7035T>C, p.Asn2345= (NM_015548.5).
Identifiers: ClinVar variation 1915719 (VCV001915719.6), dbSNP rs778997704, ClinGen allele CA3867909.

ClinVar aggregate classification (germline): Likely benign. Review status: criteria provided, multiple submitters, no conflicts (2 of 4 stars). 2 submissions from 2 submitters: Likely benign (2). Last evaluated 2026-05-12.

Conditions:
DST-related disorder. Also called: DST-related disorders; DST-related condition.
Epidermolysis bullosa simplex 3, localized or generalized intermediate, with BP230 deficiency (EBS3). Also called: Epidermolysis bullosa simplex, autosomal recessive 2; Epidermolysis bullosa simplex due to BP230 deficiency. Identifiers: Orphanet 412181, MedGen C3809470, MONDO:0014180, OMIM 615425.
Hereditary sensory and autonomic neuropathy type 6. Also called: Neuropathy, hereditary sensory and autonomic, type VI; HSAN VI. Identifiers: Orphanet 314381, MedGen C3539003, MONDO:0013839, OMIM 614653.

Allele frequency attached by ClinVar (database versions not stated): ExAC 0.00002; gnomAD exomes 0.00002; gnomAD 0.00007; TOPMed 0.00012.
gnomAD v4.1: 35 of 1,613,846 alleles (0.0022%); highest among the groups gnomAD compares: Admixed American, 0.053%; no homozygotes.

Submissions (2):

PreventionGenetics, part of Exact Sciences
Classification: Likely benign for DST-related condition. Last evaluated: 2026-05-12. Review status: criteria provided, single submitter. Criteria: ACMG Guidelines, 2015. Collection method: clinical testing. Allele origin: germline.
Comment: This variant is classified as likely benign based on ACMG/AMP sequence variant interpretation guidelines (Richards et al. 2015 PMID: 25741868, with internal and published modifications).

Labcorp Genetics (formerly Invitae), Labcorp
Classification: Likely benign for Epidermolysis bullosa simplex 3, localized or generalized intermediate, with BP230 deficiency; Hereditary sensory and autonomic neuropathy type 6. Last evaluated: 2024-05-04. Review status: criteria provided, single submitter. Criteria: Invitae Variant Classification Sherloc (09022015). Collection method: clinical testing. Allele origin: germline.